The following is an entry in ClinVar:

ClinVar aggregate classification (germline): Likely benign. Review status: criteria provided, multiple submitters, no conflicts (2 of 4 stars). 2 submissions from 2 submitters: Likely benign (2). Last evaluated 2025-12-02.

Conditions:
Nemaline myopathy 2 (NEM2). Also called: Nemaline myopathy 2, autosomal recessive. Identifiers: MedGen C1850569, MONDO:0009725, OMIM 256030.

Allele frequency attached by ClinVar (database versions not stated): gnomAD exomes below 0.00001 and 0.00001.
gnomAD v4.1: 5 of 1,613,844 alleles (0.00031%); highest among the groups gnomAD compares: South Asian, 0.0055%; no homozygotes.

Submissions (2):

Labcorp Genetics (formerly Invitae), Labcorp
Classification: Likely benign for Nemaline myopathy 2. Last evaluated: 2025-12-02. Review status: criteria provided, single submitter. Criteria: Invitae Variant Classification Sherloc (09022015). Collection method: clinical testing. Allele origin: germline.

CeGaT Center for Human Genetics Tuebingen
Classification: Likely benign. Last evaluated: 2025-03-01. Review status: criteria provided, single submitter. Criteria: CeGaT Center For Human Genetics Tuebingen Variant Classification Criteria Version 2. Collection method: clinical testing. Allele origin: germline. Affected: yes. Observed: 2 variant alleles.
Comment: NEB: BP4, BP7

NM_001164508.2(NEB):c.3175T>C (p.Leu1059=)

Gene: NEB (nebulin; minus strand). Cytogenetic location: 2q23.3.
Variant type: single nucleotide variant.
Coding change: c.3175T>C on transcript NM_001164508.2 (MANE Select); coding-DNA position 3175, T replaced by C.
Protein change: p.Leu1059=; no amino-acid change (leucine 1059 retained).
Molecular consequence: synonymous variant.
Genome position (GRCh38, 1-based): chr2:151,679,801, A>G on the plus strand (T>C on the coding strand, the complement: NEB is on the minus strand). VCF-style: chr2-151679801-A-G. GRCh37 (hg19) VCF-style: chr2-152536315-A-G.
Other names: c.3175T>C, p.Leu1059= (NM_001164507.2, NM_001271208.2, NM_004543.5).
Identifiers: ClinVar variation 1148925 (VCV001148925.32), dbSNP rs1449746588, ClinGen allele CA429243693.
Genomic context (GRCh38, chr2:151,679,801, plus strand): 5'-CAGCTTTGGCAGCTCTGATGGGAATCGCATCAGTTCTCAGGTCATATCCCTTCTTGCTCA[A>G]GTCTTTCAAGTCTGCTTTGTACATATTCTGAAAGAAAAATGTCATTTAAGTACAACTTAG-3'
Protein context (NP_001157980.2, residues 1049-1069): ENMYKADLKD[Leu1059=]SKKGYDLRTD